The following is an entry in ClinVar:

ClinVar aggregate classification (germline): Uncertain significance. Review status: criteria provided, multiple submitters, no conflicts (2 of 4 stars). 2 submissions from 2 submitters: Uncertain significance (2). Last evaluated 2025-08-12.

Conditions:
Inborn genetic diseases. Identifiers: MedGen C0950123, MeSH D030342.

Submissions (2):

GeneDx
Classification: Uncertain significance. Last evaluated: 2025-08-12. Review status: criteria provided, single submitter. Criteria: GeneDx Variant Classification Process June 2021. Collection method: clinical testing. Allele origin: germline. Affected: yes.
Comment: Not observed at significant frequency in large population cohorts (gnomAD); In silico analysis supports that this missense variant has a deleterious effect on protein structure/function; Has not been previously published as pathogenic or benign to our knowledge

Ambry Genetics
Classification: Uncertain significance for Inborn genetic diseases. Last evaluated: 2024-12-26. Review status: criteria provided, single submitter. Criteria: Ambry Variant Classification Scheme 2023. Collection method: clinical testing. Allele origin: germline.

NM_014991.6(WDFY3):c.2602C>G (p.Pro868Ala)

Genes: WDFY3 (WD repeat and FYVE domain containing 3; minus strand), WDFY3-AS1 (WDFY3 antisense RNA 1; plus strand). Cytogenetic location: 4q21.23.
Variant type: single nucleotide variant.
Coding change: c.2602C>G on transcript NM_014991.6 (MANE Select); coding-DNA position 2602, C replaced by G.
Protein change: p.Pro868Ala; replaces proline 868 with alanine.
Molecular consequence: missense variant. On other transcripts: non-coding transcript variant (1).
Genome position (GRCh38, 1-based): chr4:84,803,295, G>C on the plus strand (C>G on the coding strand, the complement: WDFY3 is on the minus strand). VCF-style: chr4-84803295-G-C. GRCh37 (hg19) VCF-style: chr4-85724448-G-C.
Other names: short protein forms P868A.
Identifiers: ClinVar variation 3815761 (VCV003815761.2).